The following is an entry in ClinVar:

NM_181882.3(PRX):c.1919A>G (p.Lys640Arg)

Gene: PRX (periaxin; minus strand). Cytogenetic location: 19q13.2.
Variant type: single nucleotide variant.
Coding change: c.1919A>G on transcript NM_181882.3 (MANE Select); coding-DNA position 1919, A replaced by G.
Protein change: p.Lys640Arg; replaces lysine 640 with arginine.
Molecular consequence: missense variant. On other transcripts: 3 prime UTR variant (1).
Genome position (GRCh38, 1-based): chr19:40,396,433, T>C on the plus strand (A>G on the coding strand, the complement: PRX is on the minus strand). VCF-style: chr19-40396433-T-C. GRCh37 (hg19) VCF-style: chr19-40902340-T-C.
Other names: c.*2124A>G (NM_020956.2); short protein forms K640R.
Identifiers: ClinVar variation 971340 (VCV000971340.11), dbSNP rs781739632, ClinGen allele CA9444173.

ClinVar aggregate classification (germline): Uncertain significance. Review status: criteria provided, multiple submitters, no conflicts (2 of 4 stars). 2 submissions from 2 submitters: Uncertain significance (2). Last evaluated 2021-08-02.

Conditions:
Inborn genetic diseases. Identifiers: MedGen C0950123, MeSH D030342.
Charcot-Marie-Tooth disease type 4. Also called: Charcot-Marie-Tooth disease, type IV; Charcot-Marie-Tooth, Type 4. Identifiers: Orphanet 64749, MedGen C4082197, MONDO:0018995.

Allele frequency attached by ClinVar (database versions not stated): gnomAD 0.00001; gnomAD exomes 0.00003 and 0.00007; TOPMed 0.00005; ExAC 0.00006.
gnomAD v4.1: 17 of 1,612,022 alleles (0.0011%); highest among the groups gnomAD compares: Admixed American, 0.027%; no homozygotes.

Submissions (2):

Labcorp Genetics (formerly Invitae), Labcorp
Classification: Uncertain significance for Charcot-Marie-Tooth disease type 4. Last evaluated: 2021-08-02. Review status: criteria provided, single submitter. Criteria: Invitae Variant Classification Sherloc (09022015). Collection method: clinical testing. Allele origin: germline.
Comment: This variant is present in population databases (rs781739632, ExAC 0.06%). This sequence change replaces lysine with arginine at codon 640 of the PRX protein (p.Lys640Arg). The lysine residue is moderately conserved and there is a small physicochemical difference between lysine and arginine. This variant has not been reported in the literature in individuals with PRX-related conditions. In summary, the available evidence is currently insufficient to determine the role of this variant in disease. Therefore, it has been classified as a Variant of Uncertain Significance. Algorithms developed to predict the effect of sequence changes on RNA splicing suggest that this variant may create or strengthen a splice site, but this prediction has not been confirmed by published transcriptional studies. Algorithms developed to predict the effect of missense changes on protein structure and function are either unavailable or do not agree on the potential impact of this missense change (SIFT: "Tolerated"; PolyPhen-2: "Possibly Damaging"; Align-GVGD: "Class C0").

Ambry Genetics
Classification: Uncertain significance for Inborn genetic diseases. Last evaluated: 2021-06-22. Review status: criteria provided, single submitter. Criteria: Ambry Variant Classification Scheme 2023. Collection method: clinical testing. Allele origin: germline.